The following is an entry in ClinVar:

NM_014049.5(ACAD9):c.*68C>T

Genes: CFAP92 (cilia and flagella associated protein 92 (putative); minus strand), ACAD9 (acyl-CoA dehydrogenase family member 9; plus strand). Cytogenetic location: 3q21.3.
Variant type: single nucleotide variant.
Coding change: c.*68C>T on transcript NM_014049.5 (MANE Select); 68 bases downstream of the stop codon, C replaced by T.
Molecular consequence: 3 prime UTR variant. On other transcripts: non-coding transcript variant (1), intron variant (3).
Genome position (GRCh38, 1-based): chr3:128,912,675, C>T. VCF-style: chr3-128912675-C-T. GRCh37 (hg19) VCF-style: chr3-128631518-C-T.
Other names: c.*68C>T (NM_001410805.1); c.2312-2342G>A (NM_001348521.2); c.2408-2342G>A (NM_001348520.2); c.3281-2342G>A (NM_001394090.1).
Identifiers: ClinVar variation 343210 (VCV000343210.9), dbSNP rs116106966, ClinGen allele CA2601762.

ClinVar aggregate classification (germline): Benign/Likely benign. Review status: criteria provided, multiple submitters, no conflicts (2 of 4 stars). 4 submissions from 4 submitters: Benign (3); Likely benign (1). Last evaluated 2021-10-08.

Conditions:
Acyl-CoA dehydrogenase 9 deficiency. Also called: Acyl-CoA dehydrogenase family, member 9, deficiency of; MITOCHONDRIAL COMPLEX I DEFICIENCY, NUCLEAR TYPE 20. Identifiers: Orphanet 99901, MedGen C4747517, MONDO:0012624, OMIM 611126.

Allele frequency attached by ClinVar (database versions not stated): ESP Exome Variant Server 0.01709; gnomAD 0.01836 and 0.01973; 1000 Genomes Project 0.01997; TOPMed 0.02054; 1000 Genomes Project 30x 0.02155.
gnomAD v4.1: 5,195 of 1,345,614 alleles (0.39%); highest among the groups gnomAD compares: African/African-American, 6.4%; 144 homozygotes.

Submissions (4):

Fulgent Genetics
Classification: Likely benign for Acyl-CoA dehydrogenase 9 deficiency. Last evaluated: 2021-10-08. Review status: criteria provided, single submitter. Criteria: ACMG Guidelines, 2015. Collection method: clinical testing. Allele origin: unknown.

GeneDx
Classification: Benign. Last evaluated: 2018-06-26. Review status: criteria provided, single submitter. Criteria: GeneDx Variant Classification Process June 2021. Collection method: clinical testing. Allele origin: germline. Affected: yes.

Illumina Laboratory Services, Illumina
Classification: Benign for Acyl-CoA dehydrogenase 9 deficiency. Last evaluated: 2018-01-13. Review status: criteria provided, single submitter. Criteria: ICSL Variant Classification Criteria 13 December 2019. Collection method: clinical testing. Allele origin: germline.
Comment: This variant was observed in the ICSL laboratory as part of a predisposition screen in an ostensibly healthy population. It had not been previously curated by ICSL or reported in the Human Gene Mutation Database (HGMD: prior to June 1st, 2018), and was therefore a candidate for classification through an automated scoring system. Utilizing variant allele frequency, disease prevalence and penetrance estimates, and inheritance mode, an automated score was calculated to assess if this variant is too frequent to cause the disease. Based on the score and internal cut-off values, a variant classified as benign is not then subjected to further curation. The score for this variant resulted in a classification of benign for this disease.

Breakthrough Genomics
Classification: Benign. Review status: criteria provided, single submitter. Criteria: ACMG Guidelines, 2015. Collection method: not provided. Allele origin: germline. Inheritance: Autosomal recessive inheritance. Affected: yes.